The following is an entry in ClinVar:

ClinVar aggregate classification (germline): Uncertain significance. Review status: criteria provided, multiple submitters, no conflicts (2 of 4 stars). 4 submissions from 4 submitters: Uncertain significance (4). Last evaluated 2026-03-19.

Conditions:
Frontometaphyseal dysplasia (FMD1). Identifiers: Orphanet 1826, MedGen C0265293, MONDO:0015942.
Melnick-Needles syndrome (MNS). Also called: Melnick-Needles Syndrome (FLNA-MNS); MELNICK-NEEDLES OSTEODYSPLASTY; OSTEODYSPLASTY OF MELNICK AND NEEDLES. Identifiers: Orphanet 2484, MedGen C0025237, MONDO:0010650, OMIM 309350.
Heterotopia, periventricular, X-linked dominant (PVNH1). Also called: X-linked periventricular heterotopia; PERIVENTRICULAR NODULAR HETEROTOPIA 4; HETEROTOPIA, PERIVENTRICULAR, 1; PERIVENTRICULAR NODULAR HETEROTOPIA 1. Identifiers: Orphanet 2149, Orphanet 82004, MedGen C1848213, MONDO:0010233, OMIM 300049.
Oto-palato-digital syndrome, type II (OPD2). Also called: Otopalatodigital Syndrome Type 2 (FLNA-OPD2); Otopalatodigital Syndrome, Type II; FACIOPALATOOSSEOUS SYNDROME; OPD II SYNDROME. Identifiers: Orphanet 669, Orphanet 90652, MedGen C1844696, MONDO:0010571, OMIM 304120.
Familial thoracic aortic aneurysm and aortic dissection (TAAD). Also called: Thoracic aortic aneurysms and dissections. Identifiers: Orphanet 91387, MedGen C4707243, MONDO:0019625.

Submissions (4):

Ambry Genetics
Classification: Uncertain significance for Familial thoracic aortic aneurysm and aortic dissection. Last evaluated: 2026-03-19. Review status: criteria provided, single submitter. Criteria: Ambry Variant Classification Scheme 2023. Collection method: clinical testing. Allele origin: germline.

Women's Health and Genetics/Laboratory Corporation of America, LabCorp
Classification: Uncertain significance. Last evaluated: 2025-10-29. Review status: criteria provided, single submitter. Criteria: LabCorp Variant Classification Summary - May 2015. Collection method: clinical testing. Allele origin: germline.

Dasa
Classification: Uncertain significance. Last evaluated: 2025-09-09. Review status: criteria provided, single submitter. Criteria: DASA Assertion Criteria. Collection method: clinical testing. Allele origin: germline.
Comment: NM_001110556.2(FLNA):c.982G>C (p.Glu328Gln) is a missense variant that results in the substitution of glutamic acid with glutamine. This variant is rare in population databases. The currently available literature and clinical evidence are not sufficient to establish a definitive association between this variant and the reported condition. Therefore, this variant is classified as a variant of uncertain significance.

Labcorp Genetics (formerly Invitae), Labcorp
Classification: Uncertain significance for Oto-palato-digital syndrome, type II; Heterotopia, periventricular, X-linked dominant; Frontometaphyseal dysplasia; Melnick-Needles syndrome. Last evaluated: 2024-11-13. Review status: criteria provided, single submitter. Criteria: Invitae Variant Classification Sherloc (09022015). Collection method: clinical testing. Allele origin: germline.
Comment: This sequence change replaces glutamic acid, which is acidic and polar, with glutamine, which is neutral and polar, at codon 328 of the FLNA protein (p.Glu328Gln). This variant is not present in population databases (gnomAD no frequency). This variant has not been reported in the literature in individuals affected with FLNA-related conditions. ClinVar contains an entry for this variant (Variation ID: 1410831). Invitae Evidence Modeling of protein sequence and biophysical properties (such as structural, functional, and spatial information, amino acid conservation, physicochemical variation, residue mobility, and thermodynamic stability) indicates that this missense variant is not expected to disrupt FLNA protein function with a negative predictive value of 95%. In summary, the available evidence is currently insufficient to determine the role of this variant in disease. Therefore, it has been classified as a Variant of Uncertain Significance.

NM_001110556.2(FLNA):c.982G>C (p.Glu328Gln)

Gene: FLNA (filamin A; minus strand). Cytogenetic location: Xq28.
Variant type: single nucleotide variant.
Coding change: c.982G>C on transcript NM_001110556.2 (MANE Select); coding-DNA position 982, G replaced by C.
Protein change: p.Glu328Gln; replaces glutamic acid 328 with glutamine.
Molecular consequence: missense variant.
Genome position (GRCh38, 1-based): chrX:154,366,737, C>G on the plus strand (G>C on the coding strand, the complement: FLNA is on the minus strand). VCF-style: chrX-154366737-C-G. GRCh37 (hg19) VCF-style: chrX-153595105-C-G.
Other names: c.982G>C, p.Glu328Gln (NM_001456.4); c.982G>C (NM_001456.3); short protein forms E328Q.
Identifiers: ClinVar variation 1410831 (VCV001410831.10), dbSNP rs1342130392, ClinGen allele CA415247474.
Genomic context (GRCh38, chrX:154,366,737, plus strand): 5'-CAGCCCCACTGAAAGGGAGCGCTGCGGGGCCTCTGCTGCCAGCAGCTGGCCCTACCTCCT[C>G]CTGGTGTCCGGCCGGGTCCTCCACGTACACCAGCACCTCTCCCTGGCCAGCACTTCTGGT-3'
Protein context (NP_001104026.1, residues 318-338): VYVEDPAGHQ[Glu328Gln]EAKVTANNDK